The following is an entry in ClinVar:

NM_001458.5(FLNC):c.3968T>G (p.Val1323Gly)

Gene: FLNC (filamin C; plus strand). Cytogenetic location: 7q32.1.
Variant type: single nucleotide variant.
Coding change: c.3968T>G on transcript NM_001458.5 (MANE Select); coding-DNA position 3968, T replaced by G.
Protein change: p.Val1323Gly; replaces valine 1323 with glycine.
Molecular consequence: missense variant.
Genome position (GRCh38, 1-based): chr7:128,846,304, T>G. VCF-style: chr7-128846304-T-G. GRCh37 (hg19) VCF-style: chr7-128486358-T-G.
Other names: c.3968T>G, p.Val1323Gly (NM_001127487.2); short protein forms V1323G.
Identifiers: ClinVar variation 1374710 (VCV001374710.6), dbSNP rs2128936843, ClinGen allele CA369198844.

ClinVar aggregate classification (germline): Uncertain significance (1 of 4 stars; one submission).

Conditions:
Myofibrillar myopathy 5. Also called: Filaminopathy (type); FILAMINOPATHY, AUTOSOMAL DOMINANT. Identifiers: Orphanet 171445, MedGen C1836050, MONDO:0012289, OMIM 609524.
Distal myopathy with posterior leg and anterior hand involvement. Also called: WILLIAMS DISTAL MYOPATHY. Identifiers: Orphanet 63273, MedGen C3279722, MONDO:0013550, OMIM 614065.
Hypertrophic cardiomyopathy 26. Also called: Cardiomyopathy, familial hypertrophic, 26. Identifiers: Orphanet 75249, MedGen C4310749, MONDO:0014883, OMIM 617047.

Submission:

Labcorp Genetics (formerly Invitae), Labcorp
Classification: Uncertain significance for Distal myopathy with posterior leg and anterior hand involvement; Myofibrillar myopathy 5; Hypertrophic cardiomyopathy 26. Last evaluated: 2022-10-13. Review status: criteria provided, single submitter. Criteria: Invitae Variant Classification Sherloc (09022015). Collection method: clinical testing. Allele origin: germline.
Comment: Advanced modeling of protein sequence and biophysical properties (such as structural, functional, and spatial information, amino acid conservation, physicochemical variation, residue mobility, and thermodynamic stability) has been performed at Invitae for this missense variant, however the output from this modeling did not meet the statistical confidence thresholds required to predict the impact of this variant on FLNC protein function. In summary, the available evidence is currently insufficient to determine the role of this variant in disease. Therefore, it has been classified as a Variant of Uncertain Significance. ClinVar contains an entry for this variant (Variation ID: 1374710). This variant has not been reported in the literature in individuals affected with FLNC-related conditions. This variant is not present in population databases (gnomAD no frequency). This sequence change replaces valine, which is neutral and non-polar, with glycine, which is neutral and non-polar, at codon 1323 of the FLNC protein (p.Val1323Gly).